The following is an entry in ClinVar:

NM_001267052.2(UNC45B):c.1487A>T (p.Asp496Val)

Gene: UNC45B (unc-45 myosin chaperone B; plus strand). Cytogenetic location: 17q12.
Variant type: single nucleotide variant.
Coding change: c.1487A>T on transcript NM_001267052.2 (MANE Select); coding-DNA position 1487, A replaced by T.
Protein change: p.Asp496Val; replaces aspartic acid 496 with valine.
Molecular consequence: missense variant. On other transcripts: intron variant (1).
Genome position (GRCh38, 1-based): chr17:35,169,871, A>T. VCF-style: chr17-35169871-A-T. GRCh37 (hg19) VCF-style: chr17-33496890-A-T.
Other names: c.1487A>T, p.Asp496Val (NM_001033576.2, NM_173167.3); c.1453-1451A>T (NM_001308281.1); short protein forms D496V.
Identifiers: ClinVar variation 3186553 (VCV003186553.2), dbSNP rs767839779, ClinGen allele CA8501154.

ClinVar aggregate classification (germline): Uncertain significance. Review status: criteria provided, multiple submitters, no conflicts (2 of 4 stars). 2 submissions from 2 submitters: Uncertain significance (2). Last evaluated 2023-12-17.

Conditions:
Myofibrillar myopathy 11. Also called: MYOPATHY, CONGENITAL, WITH ECCENTRIC CORES. Identifiers: MedGen C5543038, MONDO:0030927, OMIM 619178.
Inborn genetic diseases. Identifiers: MedGen C0950123, MeSH D030342.

Allele frequency attached by ClinVar (database versions not stated): gnomAD exomes below 0.00001; gnomAD 0.00001; TOPMed 0.00001; ExAC 0.00002.

Submissions (2):

Ambry Genetics
Classification: Uncertain significance for Inborn genetic diseases. Last evaluated: 2023-12-17. Review status: criteria provided, single submitter. Criteria: Ambry Variant Classification Scheme 2023. Collection method: clinical testing. Allele origin: germline.

3billion
Classification: Uncertain significance for Myofibrillar myopathy 11. Last evaluated: 2023-07-11. Review status: criteria provided, single submitter. Criteria: ACMG Guidelines, 2015. Collection method: clinical testing. Allele origin: germline. Affected: yes.
Comment: The variant is observed at an extremely low frequency in the gnomAD v2.1.1 dataset (total allele frequency: 0.001%). Predicted Consequence/Location: Missense changes are a common disease-causing mechanism. In silico tool predictions suggest damaging effect of the variant on gene or gene product (REVEL: 0.58; 3Cnet: 0.76). Therefore, this variant is classified as VUS according to the recommendation of ACMG/AMP guideline.